The following is an entry in ClinVar:

NM_080425.4(GNAS):c.751G>C (p.Gly251Arg)

Gene: GNAS (GNAS complex locus; plus strand). Cytogenetic location: 20q13.32.
Variant type: single nucleotide variant.
Coding change: c.751G>C on transcript NM_080425.4 (MANE Plus Clinical); coding-DNA position 751, G replaced by C.
Protein change: p.Gly251Arg; replaces glycine 251 with arginine.
Molecular consequence: missense variant. On other transcripts: synonymous variant (2), intron variant (3).
Genome position (GRCh38, 1-based): chr20:58,854,016, G>C. VCF-style: chr20-58854016-G-C. GRCh37 (hg19) VCF-style: chr20-57429071-G-C.
Other names: c.564G>C, p.Thr188= (NM_001077490.3, NM_001309883.1); c.751G>C, p.Gly251Arg (NM_001410913.1); c.*42+13130G>C (NM_016592.5); c.43+13130G>C (NM_001410912.1); c.-39+12141G>C (NM_001309861.2); short protein forms G251R.
Identifiers: ClinVar variation 2429155 (VCV002429155.40), dbSNP rs747005037, ClinGen allele CA9926541.

ClinVar aggregate classification (germline): Uncertain significance (1 of 4 stars; one submission).

gnomAD v4.1: 5 of 1,611,576 alleles (0.00031%); highest among the groups gnomAD compares: South Asian, 0.0033%; no homozygotes.

Submission:

Women's Health and Genetics/Laboratory Corporation of America, LabCorp
Classification: Uncertain significance. Last evaluated: 2023-01-27. Review status: criteria provided, single submitter. Criteria: LabCorp Variant Classification Summary - May 2015. Collection method: clinical testing. Allele origin: germline.
Comment: Variant summary: GNAS c.-37711G>C (NM_000516.5) is a non-conservative nucleotide change, located in the 5' untranscribed region upstream of the GNAS gene region. The variant is also known as c.*42+13130G>C under NM_016592.3 and as c.751G>C (p.Gly251Arg) under NM_080425.3. The variant allele was found at a frequency of 8.5e-06 in 235654 control chromosomes (gnomAD). The available data on variant occurrences in the general population are insufficient to allow any conclusion about variant significance. To our knowledge, no occurrence of this variant in individuals affected with GNAS-Related Disorders and no experimental evidence demonstrating its impact on protein function have been reported. No clinical diagnostic laboratories have submitted clinical-significance assessments for this variant to ClinVar after 2014. Based on the evidence outlined above, the variant was classified as uncertain significance.